The following is an entry in ClinVar:

ClinVar aggregate classification (germline): Uncertain significance. Review status: criteria provided, multiple submitters, no conflicts (2 of 4 stars). 2 submissions from 2 submitters: Uncertain significance (2). Last evaluated 2023-06-30.

Conditions:
Hereditary nonpolyposis colorectal neoplasms. Identifiers: MedGen C0009405, MeSH D003123.
Hereditary cancer-predisposing syndrome. Also called: Tumor predisposition; Hereditary neoplastic syndrome; Neoplastic Syndromes, Hereditary; Hereditary Cancer Syndrome. Identifiers: Orphanet 140162, MedGen C0027672, MeSH D009386, MONDO:0015356.

Submissions (2):

Labcorp Genetics (formerly Invitae), Labcorp
Classification: Uncertain significance for Hereditary nonpolyposis colorectal neoplasms. Last evaluated: 2023-06-30. Review status: criteria provided, single submitter. Criteria: Invitae Variant Classification Sherloc (09022015). Collection method: clinical testing. Allele origin: germline.
Comment: In summary, the available evidence is currently insufficient to determine the role of this variant in disease. Therefore, it has been classified as a Variant of Uncertain Significance. Advanced modeling of protein sequence and biophysical properties (such as structural, functional, and spatial information, amino acid conservation, physicochemical variation, residue mobility, and thermodynamic stability) performed at Invitae indicates that this missense variant is expected to disrupt PMS2 protein function. ClinVar contains an entry for this variant (Variation ID: 1497570). This variant has not been reported in the literature in individuals affected with PMS2-related conditions. This variant is not present in population databases (gnomAD no frequency). This sequence change replaces proline, which is neutral and non-polar, with threonine, which is neutral and polar, at codon 319 of the PMS2 protein (p.Pro319Thr).

Ambry Genetics
Classification: Uncertain significance for Hereditary cancer-predisposing syndrome. Last evaluated: 2021-11-01. Review status: criteria provided, single submitter. Criteria: Ambry Variant Classification Scheme 2023. Collection method: clinical testing. Allele origin: germline.
Comment: The p.P319T variant (also known as c.955C>A), located in coding exon 9 of the PMS2 gene, results from a C to A substitution at nucleotide position 955. The proline at codon 319 is replaced by threonine, an amino acid with highly similar properties. This amino acid position is highly conserved in available vertebrate species. In addition, this alteration is predicted to be deleterious by in silico analysis. Since supporting evidence is limited at this time, the clinical significance of this alteration remains unclear.

NM_000535.7(PMS2):c.955C>A (p.Pro319Thr)

Gene: PMS2 (PMS1 homolog 2, mismatch repair system component; minus strand). Cytogenetic location: 7p22.1.
Variant type: single nucleotide variant.
Coding change: c.955C>A on transcript NM_000535.7 (MANE Select); coding-DNA position 955, C replaced by A.
Protein change: p.Pro319Thr; replaces proline 319 with threonine.
Molecular consequence: missense variant. On other transcripts: non-coding transcript variant (1).
Genome position (GRCh38, 1-based): chr7:5,992,006, G>T on the plus strand (C>A on the coding strand, the complement: PMS2 is on the minus strand). VCF-style: chr7-5992006-G-T. GRCh37 (hg19) VCF-style: chr7-6031637-G-T.
Other names: c.550C>A, p.Pro184Thr (NM_001322003.2, NM_001322004.2, NM_001322005.2 and 2 more transcripts); c.955C>A, p.Pro319Thr (NM_001322006.2, NM_001322014.2); c.637C>A, p.Pro213Thr (NM_001322007.2, NM_001322008.2); c.22C>A, p.Pro8Thr (NM_001322011.2, NM_001322012.2); c.382C>A, p.Pro128Thr (NM_001322013.2); c.646C>A, p.Pro216Thr (NM_001322015.2); short protein forms P319T, P8T, P216T, P128T, P184T, P213T.
Identifiers: ClinVar variation 1497570 (VCV001497570.10), dbSNP rs1248142939, ClinGen allele CA366743123.